The following is an entry in ClinVar:

ClinVar aggregate classification (germline): Pathogenic. Review status: criteria provided, multiple submitters, no conflicts (2 of 4 stars). 2 submissions from 2 submitters: Pathogenic (2). Last evaluated 2024-04-08.

Conditions:
Juvenile polyposis/hereditary hemorrhagic telangiectasia syndrome (JPHT). Also called: Juvenile Polyposis Syndrome / Hereditary Hemorrhagic Telangiectasia (JPS/HHT); JP/HHT SYNDROME; JUVENILE POLYPOSIS WITH HEREDITARY HEMORRHAGIC TELANGIECTASIA; POLYPOSIS, GENERALIZED JUVENILE, WITH PULMONARY ARTERIOVENOUS MALFORMATION; TELANGIECTASIA, HEREDITARY HEMORRHAGIC, WITH JUVENILE POLYPOSIS COLI. Identifiers: Orphanet 2929, MedGen C1832942, MONDO:0008278, OMIM 175050.
Juvenile polyposis syndrome (JPS). Identifiers: Orphanet 2929, MedGen C0345893, MONDO:0017380, OMIM 174900.

Submissions (2):

Labcorp Genetics (formerly Invitae), Labcorp
Classification: Pathogenic for Juvenile polyposis syndrome. Last evaluated: 2024-04-08. Review status: criteria provided, single submitter. Criteria: Invitae Variant Classification Sherloc (09022015). Collection method: clinical testing. Allele origin: germline.
Comment: This sequence change creates a premature translational stop signal (p.Gly252*) in the SMAD4 gene. It is expected to result in an absent or disrupted protein product. Loss-of-function variants in SMAD4 are known to be pathogenic (PMID: 16152648, 16436638, 22810475). This variant is not present in population databases (gnomAD no frequency). This variant has not been reported in the literature in individuals affected with SMAD4-related conditions. For these reasons, this variant has been classified as Pathogenic.

Myriad Genetics, Inc.
Classification: Pathogenic for Juvenile polyposis/hereditary hemorrhagic telangiectasia syndrome. Last evaluated: 2024-02-09. Review status: criteria provided, single submitter. Criteria: Myriad Autosomal Dominant, Autosomal Recessive and X-Linked Classification Criteria (2023). Collection method: clinical testing. Allele origin: unknown.
Comment: This variant is considered pathogenic. This variant creates a termination codon and is predicted to result in premature protein truncation.

Literature cited by the submitters: PubMed 16152648 (cited by Labcorp Genetics (formerly Invitae), Labcorp); PubMed 16436638 (cited by Labcorp Genetics (formerly Invitae), Labcorp); PubMed 22810475 (cited by Labcorp Genetics (formerly Invitae), Labcorp).

NM_005359.6(SMAD4):c.754G>T (p.Gly252Ter)

Gene: SMAD4 (SMAD family member 4; plus strand). Cytogenetic location: 18q21.2.
Variant type: single nucleotide variant.
Coding change: c.754G>T on transcript NM_005359.6 (MANE Select); coding-DNA position 754, G replaced by T.
Protein change: p.Gly252Ter; replaces glycine 252 with a stop codon.
Molecular consequence: nonsense. On other transcripts: non-coding transcript variant (2).
Genome position (GRCh38, 1-based): chr18:51,058,211, G>T. VCF-style: chr18-51058211-G-T. GRCh37 (hg19) VCF-style: chr18-48584581-G-T.
Other names: c.754G>T, p.Gly252Ter (NM_001407041.1, NM_001407042.1, NM_001407043.1); short protein forms G252*.
Identifiers: ClinVar variation 3148766 (VCV003148766.3), dbSNP rs2144427507, ClinGen allele CA402463030.
Genomic context (GRCh38, chr18:51,058,211, plus strand): 5'-AGCCATAGTGAAGGACTGTTGCAGATAGCATCAGGGCCTCAGCCAGGACAGCAGCAGAAT[G>T]GATTTACTGGTCAGCCAGCTACTTACCATCATAGTATGTACATACTTTAAAAAATCTTTT-3'